The following is an entry in ClinVar:

ClinVar aggregate classification (germline): Uncertain significance (1 of 4 stars; one submission).

Conditions:
FGFR3-related chondrodysplasia. Identifiers: Orphanet 93420, MedGen C5681604, MONDO:0019685.

Submission:

Genomenon, Inc
Classification: Uncertain significance for FGFR3-related chondrodysplasia. Last evaluated: 2026-06-23. Review status: criteria provided, single submitter. Criteria: Genomenon Sequence Variant Interpretation Standards - Updated. Collection method: curation. Allele origin: germline. Affected: no.
Comment: FGFR3 p.Asp617Gly (c.1850A>G) is a missense variant that changes the amino acid at codon 617 from Aspartic acid to Glycine. To our knowledge, this variant has not been reported in patients affected with an FGFR3-related disorder in the published literature. Functional studies have been reported (PMID:26992226). It is absent or not present at a significant frequency in gnomAD. In silico models predict that this variant is possibly or probably damaging. In conclusion, we classify FGFR3 p.Asp617Gly (c.1850A>G) as a variant of uncertain significance.

Literature cited by the submitters: PubMed 26992226.

NM_000142.5(FGFR3):c.1850A>G (p.Asp617Gly)

Gene: FGFR3 (fibroblast growth factor receptor 3; plus strand). Cytogenetic location: 4p16.3.
Variant type: single nucleotide variant.
Coding change: c.1850A>G on transcript NM_000142.5 (MANE Select); coding-DNA position 1850, A replaced by G.
Protein change: p.Asp617Gly; replaces aspartic acid 617 with glycine.
Molecular consequence: missense variant. On other transcripts: non-coding transcript variant (1).
Genome position (GRCh38, 1-based): chr4:1,806,064, A>G. VCF-style: chr4-1806064-A-G. GRCh37 (hg19) VCF-style: chr4-1807791-A-G.
Other names: c.1856A>G, p.Asp619Gly (NM_001163213.2); c.1853A>G, p.Asp618Gly (NM_001354809.2, NM_001354810.2); c.1514A>G, p.Asp505Gly (NM_022965.4); short protein forms D505G, D617G, D618G, D619G.
Identifiers: ClinVar variation 4857813 (VCV004857813.1).